The following is an entry in ClinVar:

ClinVar aggregate classification (germline): Uncertain significance (1 of 4 stars; one submission).

Conditions:
Adams-Oliver syndrome 5 (AOS5). Identifiers: Orphanet 974, MedGen C4014970, MONDO:0014459, OMIM 616028.

Submission:

Labcorp Genetics (formerly Invitae), Labcorp
Classification: Uncertain significance for Adams-Oliver syndrome 5. Last evaluated: 2025-12-02. Review status: criteria provided, single submitter. Criteria: Invitae Variant Classification Sherloc (09022015). Collection method: clinical testing. Allele origin: germline.
Comment: This sequence change replaces aspartic acid, which is acidic and polar, with histidine, which is basic and polar, at codon 2239 of the NOTCH1 protein (p.Asp2239His). This variant is not present in population databases (gnomAD no frequency). This variant has not been reported in the literature in individuals affected with NOTCH1-related conditions. Invitae Evidence Modeling of protein sequence and biophysical properties (such as structural, functional, and spatial information, amino acid conservation, physicochemical variation, residue mobility, and thermodynamic stability) indicates that this missense variant is not expected to disrupt NOTCH1 protein function with a negative predictive value of 95%. In summary, the available evidence is currently insufficient to determine the role of this variant in disease. Therefore, it has been classified as a Variant of Uncertain Significance.

NM_017617.5(NOTCH1):c.6715G>C (p.Asp2239His)

Gene: NOTCH1 (notch receptor 1; minus strand). Cytogenetic location: 9q34.3.
Variant type: single nucleotide variant.
Coding change: c.6715G>C on transcript NM_017617.5 (MANE Select); coding-DNA position 6715, G replaced by C.
Protein change: p.Asp2239His; replaces aspartic acid 2239 with histidine.
Molecular consequence: missense variant.
Genome position (GRCh38, 1-based): chr9:136,497,024, C>G on the plus strand (G>C on the coding strand, the complement: NOTCH1 is on the minus strand). VCF-style: chr9-136497024-C-G. GRCh37 (hg19) VCF-style: chr9-139391476-C-G.
Other names: short protein forms D2239H.
Identifiers: ClinVar variation 4801891 (VCV004801891.1).